The following is an entry in ClinVar:

ClinVar aggregate classification (germline): Pathogenic (1 of 4 stars; one submission).

Conditions:
Autosomal recessive limb-girdle muscular dystrophy type R18 (LGMDR18). Also called: MUSCULAR DYSTROPHY, LIMB-GIRDLE, AUTOSOMAL RECESSIVE 18; Autosomal recessive limb-girdle muscular dystrophy type 2S; Limb-girdle muscular dystrophy, type 2S. Identifiers: Orphanet 369840, MedGen C4517996, MONDO:0014144, OMIM 615356.

Submission:

Labcorp Genetics (formerly Invitae), Labcorp
Classification: Pathogenic for Autosomal recessive limb-girdle muscular dystrophy type R18. Last evaluated: 2024-11-27. Review status: criteria provided, single submitter. Criteria: Invitae Variant Classification Sherloc (09022015). Collection method: clinical testing. Allele origin: germline.
Comment: This sequence change creates a premature translational stop signal (p.Phe1080Serfs*4) in the TRAPPC11 gene. It is expected to result in an absent or disrupted protein product. Loss-of-function variants in TRAPPC11 are known to be pathogenic (PMID: 23830518, 26322222). This variant is not present in population databases (gnomAD no frequency). This variant has not been reported in the literature in individuals affected with TRAPPC11-related conditions. For these reasons, this variant has been classified as Pathogenic.

Literature cited by the submitters: PubMed 23830518; PubMed 26322222.

NM_021942.6(TRAPPC11):c.3239del (p.Phe1080fs)

Gene: TRAPPC11 (trafficking protein particle complex subunit 11; plus strand). Cytogenetic location: 4q35.1.
Variant type: Deletion.
Coding change: c.3239del on transcript NM_021942.6 (MANE Select); coding-DNA position 3239, one base deleted (T; older notation c.3239delT).
Protein change: p.Phe1080fs; shifts the reading frame from phenylalanine 1080.
Molecular consequence: frameshift variant. On other transcripts: intron variant (1).
Genome position (GRCh38, 1-based): chr4:183,708,456, T deleted; the last of 3 consecutive T bases (chr4:183,708,454-183,708,456); deleting any one gives the same sequence. VCF-style (leftmost placement, unchanged base first): chr4-183708453-AT-A. GRCh37 (hg19) VCF-style: chr4-184629606-AT-A.
Other names: c.3199+40del (NM_199053.3); short protein forms F1080fs.
Identifiers: ClinVar variation 3611604 (VCV003611604.2).
Genomic context (GRCh38, chr4:183,708,453, plus strand): 5'-TTTTTATGATGCAGATTCGATTACGTATCCTCCCTGGCACGGAGCAGGAAATGCTATATA[AT>A]TTCTATCCTCTGATGGCTGGATACCAGCAGCTGCCATCTCTCAACATCAACTTGCTTAGA-3'